The following is an entry in ClinVar:

ClinVar aggregate classification (germline): Uncertain significance (1 of 4 stars; one submission).

Conditions:
Joubert syndrome. Also called: CEREBELLOPARENCHYMAL DISORDER IV; JOUBERT-BOLTSHAUSER SYNDROME; Familial aplasia of the vermis. Identifiers: Orphanet 475, MedGen C5979921, MONDO:0018772.
Meckel-Gruber syndrome. Also called: DYSENCEPHALIA SPLANCHNOCYSTICA; GRUBER SYNDROME; Dysencephalia splachnocystica. Identifiers: Orphanet 564, MedGen C0265215, MONDO:0018921.

Submission:

Labcorp Genetics (formerly Invitae), Labcorp
Classification: Uncertain significance for Joubert syndrome; Meckel-Gruber syndrome. Last evaluated: 2021-09-10. Review status: criteria provided, single submitter. Criteria: Invitae Variant Classification Sherloc (09022015). Collection method: clinical testing. Allele origin: germline.
Comment: This sequence change replaces glutamic acid with aspartic acid at codon 72 of the MKS1 protein (p.Glu72Asp). The glutamic acid residue is weakly conserved and there is a small physicochemical difference between glutamic acid and aspartic acid. This variant is not present in population databases (ExAC no frequency). This variant has not been reported in the literature in individuals with MKS1-related conditions. Algorithms developed to predict the effect of missense changes on protein structure and function output the following: SIFT: "Tolerated"; PolyPhen-2: "Benign"; Align-GVGD: "Class C0". The aspartic acid amino acid residue is found in multiple mammalian species, suggesting that this missense change does not adversely affect protein function. These predictions have not been confirmed by published functional studies and their clinical significance is uncertain. In summary, the available evidence is currently insufficient to determine the role of this variant in disease. Therefore, it has been classified as a Variant of Uncertain Significance.

NM_017777.4(MKS1):c.216A>C (p.Glu72Asp)

Gene: MKS1 (MKS transition zone complex subunit 1; minus strand). Cytogenetic location: 17q22.
Variant type: single nucleotide variant.
Coding change: c.216A>C on transcript NM_017777.4 (MANE Select); coding-DNA position 216, A replaced by C.
Protein change: p.Glu72Asp; replaces glutamic acid 72 with aspartic acid.
Molecular consequence: missense variant. On other transcripts: 5 prime UTR variant (1).
Genome position (GRCh38, 1-based): chr17:58,216,711, T>G on the plus strand (A>C on the coding strand, the complement: MKS1 is on the minus strand). VCF-style: chr17-58216711-T-G. GRCh37 (hg19) VCF-style: chr17-56294072-T-G.
Other names: c.-296A>C (NM_001321268.2); c.216A>C, p.Glu72Asp (NM_001321269.2, NM_001330397.2); short protein forms E72D.
Identifiers: ClinVar variation 1385505 (VCV001385505.8), dbSNP rs2143823461, ClinGen allele CA400327790.